The following is an entry in ClinVar:

ClinVar aggregate classification (germline): Uncertain significance (1 of 4 stars; one submission).

Conditions:
Cardiomyopathy (CMYO). Also called: Cardiomyopathies. Identifiers: Orphanet 167848, MedGen C0878544, MONDO:0004994, HP:0001638. Inheritance: Various modes of inheritance.

Submission:

Color Diagnostics, LLC DBA Color Health
Classification: Uncertain significance for Cardiomyopathy. Last evaluated: 2022-05-23. Review status: criteria provided, single submitter. Criteria: ACMG Guidelines, 2015. Collection method: clinical testing. Allele origin: germline.
Comment: This variant causes a deletion of a nucleotide in intron 24 of the MYBPC3 gene. Splice prediction tools are inconclusive regarding the impact of this variant on RNA splicing. To our knowledge, functional studies have not been reported for this variant. This variant has not been reported in individuals affected with cardiovascular disorders in the literature. This variant has not been identified in the general population by the Genome Aggregation Database (gnomAD). The available evidence is insufficient to determine the role of this variant in disease conclusively. Therefore, this variant is classified as a Variant of Uncertain Significance.

NM_000256.3(MYBPC3):c.2414-9del

Gene: MYBPC3 (myosin binding protein C3; minus strand). Cytogenetic location: 11p11.2.
Variant type: Deletion.
Coding change: c.2414-9del on transcript NM_000256.3 (MANE Select); 9 bases into the intron before coding-DNA position 2414, one base deleted (C; older notation c.2414-9delC).
Molecular consequence: intron variant.
Genome position (GRCh38, 1-based): chr11:47,337,588, G deleted on the plus strand (C on the coding strand, the reverse complement: MYBPC3 is on the minus strand); the first of 4 consecutive G bases (chr11:47,337,588-47,337,591); deleting any one gives the same sequence. VCF-style (leftmost placement, unchanged base first): chr11-47337587-AG-A. GRCh37 (hg19) VCF-style: chr11-47359138-AG-A.
Identifiers: ClinVar variation 2773718 (VCV002773718.2), dbSNP rs2495749999, ClinGen allele CA2697548563.